The following is an entry in ClinVar:

NM_000059.4(BRCA2):c.8994T>G (p.Ser2998=)

Gene: BRCA2 (BRCA2 DNA repair associated; plus strand). Cytogenetic location: 13q13.1.
Variant type: single nucleotide variant.
Coding change: c.8994T>G on transcript NM_000059.4 (MANE Select); coding-DNA position 8994, T replaced by G.
Protein change: p.Ser2998=; no amino-acid change (serine 2998 retained).
Molecular consequence: synonymous variant. On other transcripts: non-coding transcript variant (1), intron variant (1).
Genome position (GRCh38, 1-based): chr13:32,379,790, T>G. VCF-style: chr13-32379790-T-G. GRCh37 (hg19) VCF-style: chr13-32953927-T-G.
Other names: c.8898T>G, p.Ser2966= (NM_001406719.1); c.4062T>G, p.Ser1354= (NM_001406721.1); c.2577T>G, p.Ser859= (NM_001406722.1); c.8954-11T>G (NM_001406720.1).
Identifiers: ClinVar variation 2761033 (VCV002761033.4), dbSNP rs760667279, ClinGen allele CA483439828.
Genomic context (GRCh38, chr13:32,379,790, plus strand): 5'-TCTCATCTTTCTCCAAACAGTTATACTGAGTATTTGGCGTCCATCATCAGATTTATATTC[T>G]CTGTTAACAGAAGGAAAGAGATACAGAATTTATCATCTTGCAACTTCAAAATCTAAAAGT-3'
Protein context (NP_000050.3, residues 2988-3008): SIWRPSSDLY[Ser2998=]LLTEGKRYRI

ClinVar aggregate classification (germline): Conflicting classifications of pathogenicity. Review status: criteria provided, conflicting classifications (1 of 4 stars). 2 submissions from 2 submitters: Uncertain significance (1); Likely benign (1). Last evaluated 2024-07-07.

Conditions:
Hereditary cancer-predisposing syndrome. Also called: Neoplastic Syndromes, Hereditary; Hereditary Cancer Syndrome; Hereditary neoplastic syndrome; Tumor predisposition. Identifiers: Orphanet 140162, MedGen C0027672, MeSH D009386, MONDO:0015356.
Hereditary breast ovarian cancer syndrome. Also called: Hereditary breast and ovarian cancer syndrome (HBOC); Hereditary breast and/or ovarian cancer syndrome; Hereditary breast and ovarian cancer syndrome; Breast and ovarian cancer; Hereditary breast and ovarian cancer; BRCA1- and BRCA2-Associated Hereditary Breast and Ovarian Cancer. Identifiers: Orphanet 145, MedGen C0677776, MeSH D061325, MONDO:0003582. Disease mechanism: loss of function.

Submissions (2):

Ambry Genetics
Classification: Likely benign for Hereditary cancer-predisposing syndrome. Last evaluated: 2024-07-07. Review status: criteria provided, single submitter. Criteria: Ambry Variant Classification Scheme 2023. Collection method: clinical testing. Allele origin: germline.

Labcorp Genetics (formerly Invitae), Labcorp
Classification: Uncertain significance for Hereditary breast ovarian cancer syndrome. Last evaluated: 2023-09-17. Review status: criteria provided, single submitter. Criteria: Invitae Variant Classification Sherloc (09022015). Collection method: clinical testing. Allele origin: germline.
Comment: This sequence change affects codon 2998 of the BRCA2 mRNA. It is a 'silent' change, meaning that it does not change the encoded amino acid sequence of the BRCA2 protein. This variant is not present in population databases (gnomAD no frequency). This variant has not been reported in the literature in individuals affected with BRCA2-related conditions. Algorithms developed to predict the effect of sequence changes on RNA splicing suggest that this variant may disrupt the consensus splice site. In summary, the available evidence is currently insufficient to determine the role of this variant in disease. Therefore, it has been classified as a Variant of Uncertain Significance.